The following is an entry in ClinVar:

ClinVar aggregate classification (germline): Pathogenic (1 of 4 stars; one submission).

Submission:

Labcorp Genetics (formerly Invitae), Labcorp
Classification: Pathogenic. Last evaluated: 2020-01-03. Review status: criteria provided, single submitter. Criteria: Invitae Variant Classification Sherloc (09022015). Collection method: clinical testing. Allele origin: germline.
Comment: This variant is an in-frame deletion of the genomic region encompassing exons 22-24 of the USH2A gene. It preserves the integrity of the reading frame. Similar deletions of exons 22-24 have been observed in individuals affected with Usher syndrome (PMID: 25804404, 27460420). For these reasons, this variant has been classified as Pathogenic.

Literature cited by the submitters: PubMed 25804404; PubMed 27460420.

NM_206933.2(USH2A):c.(?_4628)_(4987_?)del

Genes: USH2A-AS2 (USH2A antisense RNA 2; plus strand), USH2A (usherin; minus strand). Cytogenetic location: 1q41.
Variant type: Deletion.
Coding change: c.(?_4628)_(4987_?)del on transcript NM_206933.2; a large deletion whose breakpoints are not mapped to the base.
Other names: c.(?_4628)_(4987_?)del (NM_206933.2).
Identifiers: ClinVar variation 179215 (VCV000179215.3).